The following is an entry in ClinVar:

NM_002474.3(MYH11):c.2030G>A (p.Arg677His)

Gene: MYH11 (myosin heavy chain 11; minus strand). Cytogenetic location: 16p13.11.
Variant type: single nucleotide variant.
Coding change: c.2030G>A on transcript NM_002474.3 (MANE Select); coding-DNA position 2030, G replaced by A.
Protein change: p.Arg677His; replaces arginine 677 with histidine.
Molecular consequence: missense variant.
Genome position (GRCh38, 1-based): chr16:15,750,166, C>T on the plus strand (G>A on the coding strand, the complement: MYH11 is on the minus strand). VCF-style: chr16-15750166-C-T. GRCh37 (hg19) VCF-style: chr16-15844023-C-T.
Other names: MYH11, ARG684HIS (rs1478913138); c.2051G>A, p.Arg684His (NM_001040113.2, NM_001040114.2); c.2030G>A, p.Arg677His (NM_022844.3); c.2030G>A (NM_002474.2); short protein forms R677H, R684H.
Identifiers: ClinVar variation 927238 (VCV000927238.6), dbSNP rs1478913138, ClinGen allele CA394868855.

ClinVar aggregate classification (germline): Uncertain significance. Review status: criteria provided, multiple submitters, no conflicts (2 of 4 stars). 3 submissions from 3 submitters: Uncertain significance (2). 1 of the submissions does not count toward it. Last evaluated 2025-04-18.

Conditions:
Megacystis-microcolon-intestinal hypoperistalsis syndrome 2. Identifiers: MedGen C5543476, MONDO:0025708, OMIM 619351.
Familial thoracic aortic aneurysm and aortic dissection (TAAD). Also called: Thoracic aortic aneurysms and dissections. Identifiers: Orphanet 91387, MedGen C4707243, MONDO:0019625.

Allele frequency attached by ClinVar (database versions not stated): gnomAD exomes below 0.00001.
gnomAD v4.1: 2 of 1,614,218 alleles (0.00012%); highest among the groups gnomAD compares: Non-Finnish European, 0.00017%; no homozygotes.

Submissions (3):

Ambry Genetics
Classification: Uncertain significance for Familial thoracic aortic aneurysm and aortic dissection. Last evaluated: 2025-04-18. Review status: criteria provided, single submitter. Criteria: Ambry Variant Classification Scheme 2023. Collection method: clinical testing. Allele origin: germline.
Comment: The p.R677H variant (also known as c.2030G>A), located in coding exon 15 of the MYH11 gene, results from a G to A substitution at nucleotide position 2030. The arginine at codon 677 is replaced by histidine, an amino acid with highly similar properties. This variant has been identified in conjunction with other MYH11 variant(s) in a fetus with concerns for megacystis-microcolon-intestinal hypoperistalsis syndrome (Wang Q et al. J Hum Genet, 2019 Nov;64:1067-1073). This amino acid position is highly conserved in available vertebrate species. In addition, this alteration is predicted to be deleterious by in silico analysis. Based on the available evidence, the clinical significance of this variant remains unclear.

Color Diagnostics, LLC DBA Color Health
Classification: Uncertain significance for Familial thoracic aortic aneurysm and aortic dissection. Last evaluated: 2019-11-25. Review status: criteria provided, single submitter. Criteria: ACMG Guidelines, 2015. Collection method: clinical testing. Allele origin: germline.
Comment: This missense variant replaces arginine with histidine at codon 684 of the MYH11 protein. Computational prediction suggests that this variant may have deleterious impact on protein structure and function (internally defined REVEL score threshold >= 0.7, PMID: 27666373). Splice site prediction tools suggest that this variant may not impact RNA splicing. To our knowledge, functional studies have not been performed for this variant. This variant has not been reported in individuals affected with cardiovascular disorders in the literature. This variant has been identified in 1/251136 chromosomes in the general population by the Genome Aggregation Database (gnomAD). The available evidence is insufficient to determine the role of this variant in disease conclusively. Therefore, this variant is classified as a Variant of Uncertain Significance.

OMIM
Classification: Pathogenic for MEGACYSTIS-MICROCOLON-INTESTINAL HYPOPERISTALSIS SYNDROME 2. Last evaluated: 2025-06-13. Review status: no assertion criteria provided. Collection method: literature only. Allele origin: germline. Not counted in ClinVar's aggregate classification.

Literature cited by the submitters: PubMed 31427716 (cited by Ambry Genetics and OMIM).